The following is an entry in ClinVar:

ClinVar aggregate classification (germline): Uncertain significance (1 of 4 stars; one submission).

Submission:

GeneDx
Classification: Uncertain significance. Last evaluated: 2025-06-29. Review status: criteria provided, single submitter. Criteria: GeneDx Variant Classification Process June 2021. Collection method: clinical testing. Allele origin: germline. Affected: yes.
Comment: Not observed at significant frequency in large population cohorts (gnomAD); In silico analysis suggests that this missense variant does not alter protein structure/function; Has not been previously published as pathogenic or benign to our knowledge

NM_014974.3(DIP2C):c.3830A>G (p.Gln1277Arg)

Gene: DIP2C (DIP2 acetate--CoA ligase C (putative); minus strand). Cytogenetic location: 10p15.3.
Variant type: single nucleotide variant.
Coding change: c.3830A>G on transcript NM_014974.3 (MANE Select); coding-DNA position 3830, A replaced by G.
Protein change: p.Gln1277Arg; replaces glutamine 1277 with arginine.
Molecular consequence: missense variant.
Genome position (GRCh38, 1-based): chr10:327,100, T>C on the plus strand (A>G on the coding strand, the complement: DIP2C is on the minus strand). VCF-style: chr10-327100-T-C. GRCh37 (hg19) VCF-style: chr10-373040-T-C.
Other names: short protein forms Q1277R.
Identifiers: ClinVar variation 4539942 (VCV004539942.1).